The following is an entry in ClinVar:

NM_000245.4(MET):c.2442C>T (p.Pro814=)

Gene: MET (MET proto-oncogene, receptor tyrosine kinase; plus strand). Cytogenetic location: 7q31.2.
Variant type: single nucleotide variant.
Coding change: c.2442C>T on transcript NM_000245.4 (MANE Select); coding-DNA position 2442, C replaced by T.
Protein change: p.Pro814=; no amino-acid change (proline 814 retained).
Molecular consequence: synonymous variant.
Genome position (GRCh38, 1-based): chr7:116,763,127, C>T. VCF-style: chr7-116763127-C-T. GRCh37 (hg19) VCF-style: chr7-116403181-C-T.
Other names: c.2496C>T, p.Pro832= (NM_001127500.3); c.2442C>T, p.Pro814= (NM_001324401.3); c.1152C>T, p.Pro384= (NM_001324402.2).
Identifiers: ClinVar variation 1792134 (VCV001792134.8), dbSNP rs1794464524, ClinGen allele CA457441097.

ClinVar aggregate classification (germline): Benign/Likely benign. Review status: criteria provided, multiple submitters, no conflicts (2 of 4 stars). 3 submissions from 3 submitters: Benign (1); Likely benign (2). Last evaluated 2024-11-11.

Conditions:
Renal cell carcinoma. Identifiers: Orphanet 217071, MedGen C0007134, MeSH D002292, MONDO:0005086, HP:0005584.
Hereditary cancer-predisposing syndrome. Also called: Hereditary Cancer Syndrome; Hereditary neoplastic syndrome; Tumor predisposition; Neoplastic Syndromes, Hereditary. Identifiers: Orphanet 140162, MedGen C0027672, MeSH D009386, MONDO:0015356.
Papillary renal cell carcinoma type 1 (RCCP1). Also called: RENAL CELL CARCINOMA, PAPILLARY, 1, SOMATIC; Renal adenocarcinoma; Renal cell carcinoma 1; Renal cell carcinoma, somatic. Identifiers: Orphanet 47044, MedGen C1336839, OMIM 605074, HP:0011797.

Submissions (3):

Myriad Genetics, Inc.
Classification: Benign for Papillary renal cell carcinoma type 1. Last evaluated: 2024-11-11. Review status: criteria provided, single submitter. Criteria: Myriad Autosomal Dominant, Autosomal Recessive and X-Linked Classification Criteria (2023). Collection method: clinical testing. Allele origin: unknown.
Comment: This variant is considered benign. This variant is a silent/synonymous amino acid change and it is not expected to impact splicing.

Labcorp Genetics (formerly Invitae), Labcorp
Classification: Likely benign for Renal cell carcinoma. Last evaluated: 2023-11-24. Review status: criteria provided, single submitter. Criteria: Invitae Variant Classification Sherloc (09022015). Collection method: clinical testing. Allele origin: germline.

Ambry Genetics
Classification: Likely benign for Hereditary cancer-predisposing syndrome. Last evaluated: 2020-10-31. Review status: criteria provided, single submitter. Criteria: Ambry Variant Classification Scheme 2023. Collection method: clinical testing. Allele origin: germline.